The following is an entry in ClinVar:

ClinVar aggregate classification (germline): Uncertain significance (1 of 4 stars; one submission).

Allele frequency attached by ClinVar (database versions not stated): gnomAD 0.00001; gnomAD exomes 0.00001; TOPMed 0.00001.
gnomAD v4.1: 20 of 1,612,528 alleles (0.0012%); highest among the groups gnomAD compares: East Asian, 0.0045%; no homozygotes.

Submission:

Labcorp Genetics (formerly Invitae), Labcorp
Classification: Uncertain significance. Last evaluated: 2024-10-27. Review status: criteria provided, single submitter. Criteria: Invitae Variant Classification Sherloc (09022015). Collection method: clinical testing. Allele origin: germline.
Comment: This sequence change falls in intron 21 of the CLCN7 gene. It does not directly change the encoded amino acid sequence of the CLCN7 protein. It affects a nucleotide within the consensus splice site. This variant is present in population databases (no rsID available, gnomAD 0.006%). This variant has not been reported in the literature in individuals affected with CLCN7-related conditions. ClinVar contains an entry for this variant (Variation ID: 1434236). Variants that disrupt the consensus splice site are a relatively common cause of aberrant splicing (PMID: 17576681, 9536098). Algorithms developed to predict the effect of sequence changes on RNA splicing suggest that this variant is not likely to affect RNA splicing. In summary, the available evidence is currently insufficient to determine the role of this variant in disease. Therefore, it has been classified as a Variant of Uncertain Significance.

Literature cited by the submitters: PubMed 17576681; PubMed 9536098.

NM_001287.6(CLCN7):c.2013+5C>T

Gene: CLCN7 (Cl-/H+ antiporter 7; minus strand). Cytogenetic location: 16p13.3.
Variant type: single nucleotide variant.
Coding change: c.2013+5C>T on transcript NM_001287.6 (MANE Select); 5 bases into the intron after coding-DNA position 2013, C replaced by T.
Molecular consequence: intron variant.
Genome position (GRCh38, 1-based): chr16:1,448,350, G>A on the plus strand (C>T on the coding strand, the complement: CLCN7 is on the minus strand). VCF-style: chr16-1448350-G-A. GRCh37 (hg19) VCF-style: chr16-1498351-G-A.
Other names: c.1941+5C>T (NM_001114331.3).
Identifiers: ClinVar variation 1434236 (VCV001434236.6), dbSNP rs1007333884, ClinGen allele CA276668610.